The following is an entry in ClinVar:

NM_000540.3(RYR1):c.2485_2486insCC (p.Arg829fs)

Gene: RYR1 (ryanodine receptor 1; plus strand). Cytogenetic location: 19q13.2.
Variant type: Insertion.
Coding change: c.2485_2486insCC on transcript NM_000540.3 (MANE Select); coding-DNA positions 2485 to 2486, CC inserted.
Protein change: p.Arg829fs; shifts the reading frame from arginine 829.
Molecular consequence: frameshift variant.
Genome position: GRCh38 VCF-style: chr19-38460498-T-TCC. GRCh37 (hg19) VCF-style: chr19-38951138-T-TCC.
Other names: c.2485_2486insCC, p.Arg829fs (NM_001042723.2); short protein forms R829fs.
Identifiers: ClinVar variation 3074519 (VCV003074519.1), dbSNP rs1225135573, ClinGen allele CA405629560.

ClinVar aggregate classification (germline): Uncertain significance (1 of 4 stars; one submission).

Conditions:
Malignant hyperthermia, susceptibility to, 1 (MHS1). Also called: Anesthesia related hyperthermia; Malignant hyperpyrexia; Fulminating hyperpyrexia; Pharmacogenic myopathy; RYR1-Related Malignant Hyperthermia Susceptibility; Malignant hyperthermia suceptibility 1. Identifiers: Orphanet 423, MedGen C2930980, MONDO:0007783, OMIM 145600.

Submission:

All of Us Research Program, National Institutes of Health
Classification: Uncertain significance for Malignant hyperthermia, susceptibility to, 1. Last evaluated: 2023-11-20. Review status: criteria provided, single submitter. Criteria: ACMG Guidelines, 2015. Collection method: clinical testing. Allele origin: germline. Inheritance: Autosomal dominant inheritance. Observed: 1 variant allele, 1 heterozygote.
Comment: This variant inserts 2 nucleotides in exon 20 of the RYR1 gene, creating a frameshift and premature translation stop signal. This variant is expected to result in an absent or non-functional protein product. To our knowledge, this variant has not been reported in individuals affected with RYR1-related disorders in the literature. This variant has not been identified in the general population by the Genome Aggregation Database (gnomAD). Loss of RYR1 function due to truncation variants is not an established disease mechanism for autosomal dominant malignant hyperthermia, although it is associated with other phenotype(s). Due to insufficient evidence, this variant is classified as a Variant of Uncertain Significance for autosomal dominant malignant hyperthermia.

This study involves interpretation of variants in research participants for the purpose of population health screening. Participant phenotype was not available at the time of variant classification. Additional details can be found in publication PMID: 35346344, PMCID: PMC8962531